The following is an entry in ClinVar:

ClinVar aggregate classification (germline): Conflicting classifications of pathogenicity. Review status: criteria provided, conflicting classifications (1 of 4 stars). 2 submissions from 2 submitters: Uncertain significance (1); Likely benign (1). Last evaluated 2022-03-23.

Conditions:
Intellectual developmental disorder, autosomal dominant 1. Also called: Intellectual disability, autosomal dominant 1; MBD5 Haploinsufficiency. Identifiers: Orphanet 228402, MedGen C1969562, MONDO:0007974, OMIM 156200.

Allele frequency attached by ClinVar (database versions not stated): gnomAD exomes below 0.00001.
gnomAD v4.1: 1 of 1,613,860 alleles (0.000062%); highest among the groups gnomAD compares: South Asian, 0.0011%; no homozygotes.

Submissions (2):

Labcorp Genetics (formerly Invitae), Labcorp
Classification: Likely benign for Intellectual developmental disorder, autosomal dominant 1. Last evaluated: 2022-03-23. Review status: criteria provided, single submitter. Criteria: Invitae Variant Classification Sherloc (09022015). Collection method: clinical testing. Allele origin: germline.

Baylor Genetics
Classification: Uncertain significance for Intellectual developmental disorder, autosomal dominant 1. Last evaluated: 2019-07-14. Review status: criteria provided, single submitter. Criteria: ACMG Guidelines, 2015. Collection method: clinical testing. Allele origin: unknown. Affected: yes.
Comment: This variant was determined to be of uncertain significance according to ACMG Guidelines, 2015 [PMID:25741868].

NM_001378120.1(MBD5):c.4548T>C (p.Thr1516=)

Gene: MBD5 (methyl-CpG binding domain protein 5; plus strand). Cytogenetic location: 2q23.1.
Variant type: single nucleotide variant.
Coding change: c.4548T>C on transcript NM_001378120.1 (MANE Select); coding-DNA position 4548, T replaced by C.
Protein change: p.Thr1516=; no amino-acid change (threonine 1516 retained).
Molecular consequence: synonymous variant.
Genome position (GRCh38, 1-based): chr2:148,490,180, T>C. VCF-style: chr2-148490180-T-C. GRCh37 (hg19) VCF-style: chr2-149247749-T-C.
Other names: c.3849T>C, p.Thr1283= (NM_018328.5).
Identifiers: ClinVar variation 1030649 (VCV001030649.11), dbSNP rs1681478115, ClinGen allele CA429447959.